The following is an entry in ClinVar:

ClinVar aggregate classification (germline): Conflicting classifications of pathogenicity. Review status: criteria provided, conflicting classifications (1 of 4 stars). 3 submissions from 3 submitters: Uncertain significance (2); Likely benign (1). Last evaluated 2024-12-11.

Conditions:
Inborn genetic diseases. Identifiers: MedGen C0950123, MeSH D030342.

Allele frequency attached by ClinVar (database versions not stated): gnomAD 0.00031; gnomAD exomes 0.00035 and 0.00065; TOPMed 0.00039; ExAC 0.00040; ESP Exome Variant Server 0.00092.
gnomAD v4.1: 982 of 1,613,074 alleles (0.061%); highest among the groups gnomAD compares: Non-Finnish European, 0.079%; 1 homozygote.

Submissions (3):

Ambry Genetics
Classification: Uncertain significance for Inborn genetic diseases. Last evaluated: 2024-12-11. Review status: criteria provided, single submitter. Criteria: Ambry Variant Classification Scheme 2023. Collection method: clinical testing. Allele origin: germline.

CeGaT Center for Human Genetics Tuebingen
Classification: Likely benign. Last evaluated: 2022-09-01. Review status: criteria provided, single submitter. Criteria: CeGaT Center For Human Genetics Tuebingen Variant Classification Criteria Version 2. Collection method: clinical testing. Allele origin: germline. Affected: yes. Observed: 1 variant allele.
Comment: FREM1: BP4, BS2

Labcorp Genetics (formerly Invitae), Labcorp
Classification: Uncertain significance. Last evaluated: 2022-06-03. Review status: criteria provided, single submitter. Criteria: Invitae Variant Classification Sherloc (09022015). Collection method: clinical testing. Allele origin: germline.
Comment: This sequence change replaces isoleucine, which is neutral and non-polar, with leucine, which is neutral and non-polar, at codon 1952 of the FREM1 protein (p.Ile1952Leu). This variant is present in population databases (rs201002953, gnomAD 0.07%). This variant has not been reported in the literature in individuals affected with FREM1-related conditions. ClinVar contains an entry for this variant (Variation ID: 1525117). Algorithms developed to predict the effect of missense changes on protein structure and function (SIFT, PolyPhen-2, Align-GVGD) all suggest that this variant is likely to be tolerated. Algorithms developed to predict the effect of sequence changes on RNA splicing suggest that this variant may create or strengthen a splice site. In summary, the available evidence is currently insufficient to determine the role of this variant in disease. Therefore, it has been classified as a Variant of Uncertain Significance.

NM_001379081.2(FREM1):c.5854A>T (p.Ile1952Leu)

Gene: FREM1 (FRAS1 related extracellular matrix 1; minus strand). Cytogenetic location: 9p22.3.
Variant type: single nucleotide variant.
Coding change: c.5854A>T on transcript NM_001379081.2 (MANE Select); coding-DNA position 5854, A replaced by T.
Protein change: p.Ile1952Leu; replaces isoleucine 1952 with leucine.
Molecular consequence: missense variant. On other transcripts: non-coding transcript variant (3).
Genome position (GRCh38, 1-based): chr9:14,747,419, T>A on the plus strand (A>T on the coding strand, the complement: FREM1 is on the minus strand). VCF-style: chr9-14747419-T-A. GRCh37 (hg19) VCF-style: chr9-14747417-T-A.
Other names: c.5854A>T (NM_144966.5); c.1462A>T, p.Ile488Leu (NM_001177704.3, NM_001370061.2); c.1312A>T, p.Ile438Leu (NM_001370058.2); c.5854A>T, p.Ile1952Leu (NM_144966.7); short protein forms I1952L, I438L, I488L.
Identifiers: ClinVar variation 1525117 (VCV001525117.30), dbSNP rs201002953, ClinGen allele CA4989627.